The following is an entry in ClinVar:

ClinVar aggregate classification (germline): Uncertain significance (1 of 4 stars; one submission).

Conditions:
Combined immunodeficiency due to DOCK8 deficiency (HIES2). Also called: HIES autosomal recessive; Hyper-IgE recurrent infection syndrome, autosomal recessive; HYPER-IgE RECURRENT INFECTION SYNDROME 2, AUTOSOMAL RECESSIVE; HYPER-IgE SYNDROME 2, AUTOSOMAL RECESSIVE, WITH RECURRENT INFECTIONS; DOCK8 Deficiency. Identifiers: Orphanet 217390, MedGen C4722305, MONDO:0009478, OMIM 243700.

Allele frequency attached by ClinVar (database versions not stated): gnomAD exomes below 0.00001; ExAC 0.00001.
gnomAD v4.1: 5 of 1,614,184 alleles (0.00031%); highest among the groups gnomAD compares: Non-Finnish European, 0.00034%; no homozygotes.

Submission:

Labcorp Genetics (formerly Invitae), Labcorp
Classification: Uncertain significance for Combined immunodeficiency due to DOCK8 deficiency. Last evaluated: 2021-04-05. Review status: criteria provided, single submitter. Criteria: Invitae Variant Classification Sherloc (09022015). Collection method: clinical testing. Allele origin: germline.
Comment: Algorithms developed to predict the effect of missense changes on protein structure and function (SIFT, PolyPhen-2, Align-GVGD) all suggest that this variant is likely to be tolerated, but these predictions have not been confirmed by published functional studies and their clinical significance is uncertain. In summary, the available evidence is currently insufficient to determine the role of this variant in disease. Therefore, it has been classified as a Variant of Uncertain Significance. This variant has not been reported in the literature in individuals with DOCK8-related conditions. This variant is present in population databases (rs763051607, ExAC 0.001%). This sequence change replaces threonine with alanine at codon 978 of the DOCK8 protein (p.Thr978Ala). The threonine residue is moderately conserved and there is a small physicochemical difference between threonine and alanine.

NM_203447.4(DOCK8):c.2932A>G (p.Thr978Ala)

Gene: DOCK8 (dedicator of cytokinesis 8; plus strand). Cytogenetic location: 9p24.3.
Variant type: single nucleotide variant.
Coding change: c.2932A>G on transcript NM_203447.4 (MANE Select); coding-DNA position 2932, A replaced by G.
Protein change: p.Thr978Ala; replaces threonine 978 with alanine.
Molecular consequence: missense variant.
Genome position (GRCh38, 1-based): chr9:390,528, A>G. VCF-style: chr9-390528-A-G. GRCh37 (hg19) VCF-style: chr9-390528-A-G.
Other names: c.2632A>G, p.Thr878Ala (NM_001190458.2); c.2728A>G, p.Thr910Ala (NM_001193536.2); short protein forms T910A, T978A, T878A.
Identifiers: ClinVar variation 1416215 (VCV001416215.8), dbSNP rs763051607, ClinGen allele CA4958413.